The following is an entry in ClinVar:

NM_022041.4(GAN):c.1690dup (p.Asp564fs)

Gene: GAN (gigaxonin; plus strand). Cytogenetic location: 16q23.2.
Variant type: Duplication.
Coding change: c.1690dup on transcript NM_022041.4 (MANE Select); coding-DNA position 1690, one base duplicated (G; older notation c.1690dupG).
Protein change: p.Asp564fs; shifts the reading frame from aspartic acid 564.
Molecular consequence: frameshift variant.
Genome position (GRCh38, 1-based): chr16:81,377,492, G duplicated. VCF-style (leftmost placement, unchanged base first): chr16-81377491-C-CG. GRCh37 (hg19) VCF-style: chr16-81411096-C-CG.
Other names: c.1051dup, p.Asp351fs (NM_001377486.1); c.1690dupG (NM_022041.3); short protein forms D351fs, D564fs.
Identifiers: ClinVar variation 2627387 (VCV002627387.1), dbSNP rs2507773710, ClinGen allele CA2582342600.

ClinVar aggregate classification (germline): Uncertain significance (1 of 4 stars; one submission).

Conditions:
Giant axonal neuropathy 1 (GAN1). Also called: GIANT AXONAL NEUROPATHY 1, AUTOSOMAL RECESSIVE; GAN-Related Neurodegeneration. Identifiers: Orphanet 643, MedGen C1850386, MONDO:0009749, OMIM 256850.

Submission:

Neuberg Centre For Genomic Medicine, NCGM
Classification: Uncertain significance for Giant axonal neuropathy 1. Review status: criteria provided, single submitter. Criteria: ACMG Guidelines, 2015. Collection method: clinical testing. Allele origin: germline. Inheritance: Autosomal recessive inheritance. Affected: yes.
Comment: The frameshift duplication p.D564Gfs in GAN (NM_022041.4) has not been reported previously as a pathogenic variant nor as a benign variant, to our knowledge. The p.D564Gfs variant is novel (not in any individuals) in gnomAD Exomes and is novel (not in any individuals) in 1000 Genomes. This variant is present in the last exon and hence functional studies will be required to prove loss of function. This variant has been classified as Uncertain Significance.